The following is an entry in ClinVar:

ClinVar aggregate classification (germline): Uncertain significance (1 of 4 stars; one submission).

Conditions:
Phelan-McDermid syndrome. Also called: Phelan-McDermid Syndrome-SHANK3 Related; TELOMERIC 22q13 MONOSOMY SYNDROME; 22q13.3 deletion syndrome. Identifiers: Orphanet 48652, MedGen C1853490, MONDO:0011652, OMIM 606232.

Submission:

UNC Molecular Genetics  Laboratory, University of North Carolina at Chapel Hill
Classification: Uncertain significance for 22q13.3 deletion syndrome. Review status: criteria provided, single submitter. Criteria: ACMG Guidelines, 2015. Collection method: research. Allele origin: germline. Observed: 1 variant allele. Study: CSER_NCGENES_2.
Comment: The SHANK3 c.5043_5046delAGAA [p.I1681fs] is a frameshift variant that has not been reported previously in the medical literature or in human variant databases. Although this variant is predicted to result in early protein truncation, it is located in the last exon of the gene and is of uncertain clinical significance.

NM_001372044.2(SHANK3):c.5307_5310del (p.Ile1769fs)

Gene: SHANK3 (SH3 and multiple ankyrin repeat domains 3; plus strand). Cytogenetic location: 22q13.33.
Variant type: Deletion.
Coding change: c.5307_5310del on transcript NM_001372044.2 (MANE Select); coding-DNA positions 5307 to 5310, 4 bases deleted (AGAA; older notation c.5307_5310delAGAA).
Protein change: p.Ile1769fs; shifts the reading frame from isoleucine 1769.
Molecular consequence: frameshift variant.
Genome position (GRCh38, 1-based): chr22:50,731,198-50,731,201, AGAA deleted. VCF-style (leftmost placement, unchanged base first): chr22-50731197-TAGAA-T. GRCh37 (hg19) VCF-style: chr22-51169625-TAGAA-T.
Other names: short protein forms I1769fs.
Identifiers: ClinVar variation 973331 (VCV000973331.1), dbSNP rs2083362101, ClinGen allele CA913187323.
Genomic context (GRCh38, chr22:50,731,197, plus strand): 5'-GCGACTGGCTGGAGAGCATCCACCTAGGCGAGCACCGCGACCGCTTCGAGGACCATGAGA[TAGAA>T]GGCGCGCACCTACCCGCGCTTACCAAGGACGACTTCGTGGAGCTGGGCGTCACGCGCGTG-3'